The following is an entry in ClinVar:

NM_001039591.3(USP9X):c.3654A>C (p.Ser1218=)

Gene: USP9X (ubiquitin specific peptidase 9 X-linked; plus strand). Cytogenetic location: Xp11.4.
Variant type: single nucleotide variant.
Coding change: c.3654A>C on transcript NM_001039591.3 (MANE Select); coding-DNA position 3654, A replaced by C.
Protein change: p.Ser1218=; no amino-acid change (serine 1218 retained).
Molecular consequence: synonymous variant.
Genome position (GRCh38, 1-based): chrX:41,186,612, A>C. VCF-style: chrX-41186612-A-C. GRCh37 (hg19) VCF-style: chrX-41045865-A-C.
Other names: c.3654A>C, p.Ser1218= (NM_001039590.3); c.3669A>C, p.Ser1223= (NM_001410748.1, NM_001410749.1).
Identifiers: ClinVar variation 2660327 (VCV002660327.25), dbSNP rs2062877630, ClinGen allele CA515968446.

ClinVar aggregate classification (germline): Likely benign. Review status: criteria provided, multiple submitters, no conflicts (2 of 4 stars). 2 submissions from 2 submitters: Likely benign (2). Last evaluated 2023-08-22.

Submissions (2):

Blueprint Genetics
Classification: Likely benign. Last evaluated: 2023-08-22. Review status: criteria provided, single submitter. Criteria: ACMG Guidelines, 2015. Collection method: clinical testing. Allele origin: germline.

CeGaT Center for Human Genetics Tuebingen
Classification: Likely benign. Last evaluated: 2022-08-01. Review status: criteria provided, single submitter. Criteria: CeGaT Center For Human Genetics Tuebingen Variant Classification Criteria Version 2. Collection method: clinical testing. Allele origin: germline. Affected: yes. Observed: 1 variant allele.
Comment: USP9X: PM2:Supporting, BP4, BP7